The following is an entry in ClinVar:

NM_002968.3(SALL1):c.3329C>T (p.Ser1110Phe)

Gene: SALL1 (spalt like transcription factor 1; minus strand). Cytogenetic location: 16q12.1.
Variant type: single nucleotide variant.
Coding change: c.3329C>T on transcript NM_002968.3 (MANE Select); coding-DNA position 3329, C replaced by T.
Protein change: p.Ser1110Phe; replaces serine 1110 with phenylalanine.
Molecular consequence: missense variant.
Genome position (GRCh38, 1-based): chr16:51,138,893, G>A on the plus strand (C>T on the coding strand, the complement: SALL1 is on the minus strand). VCF-style: chr16-51138893-G-A. GRCh37 (hg19) VCF-style: chr16-51172804-G-A.
Other names: c.3038C>T, p.Ser1013Phe (NM_001127892.2); short protein forms S1013F, S1110F.
Identifiers: ClinVar variation 4716026 (VCV004716026.1).
Genomic context (GRCh38, chr16:51,138,893, plus strand): 5'-GTTCTCCTGGGCAGAGCAGGGAGCAGAACTGGGGATGTGGCAGAGGAAGACAGAGGCCCA[G>A]ACGGGACGTGACTGGTGGGGGTGTCCTTACTGTCCTGAGGAGAAACATGCACGAAGCCGT-3'
Protein context (NP_002959.2, residues 1100-1120): SKDTPTSHVP[Ser1110Phe]GPLSSSATSP

ClinVar aggregate classification (germline): Uncertain significance (1 of 4 stars; one submission).

Conditions:
Townes syndrome (TBS). Also called: Townes-Brocks syndrome. Identifiers: Orphanet 857, MedGen C0265246, MeSH C536974, MONDO:0007142.

Submission:

Labcorp Genetics (formerly Invitae), Labcorp
Classification: Uncertain significance for Townes syndrome. Last evaluated: 2025-06-12. Review status: criteria provided, single submitter. Criteria: Invitae Variant Classification Sherloc (09022015). Collection method: clinical testing. Allele origin: germline.
Comment: This sequence change replaces serine, which is neutral and polar, with phenylalanine, which is neutral and non-polar, at codon 1110 of the SALL1 protein (p.Ser1110Phe). This variant is not present in population databases (gnomAD no frequency). This variant has not been reported in the literature in individuals affected with SALL1-related conditions. An algorithm developed to predict the effect of missense changes on protein structure and function (PolyPhen-2) suggests that this variant is likely to be tolerated. In summary, the available evidence is currently insufficient to determine the role of this variant in disease. Therefore, it has been classified as a Variant of Uncertain Significance.